The following is an entry in ClinVar:

NM_001326411.2(PISD):c.380A>G (p.Asn127Ser)

Gene: PISD (phosphatidylserine decarboxylase; minus strand). Cytogenetic location: 22q12.2.
Variant type: single nucleotide variant.
Coding change: c.380A>G on transcript NM_001326411.2 (MANE Select); coding-DNA position 380, A replaced by G.
Protein change: p.Asn127Ser; replaces asparagine 127 with serine.
Molecular consequence: missense variant. On other transcripts: intron variant (1).
Genome position (GRCh38, 1-based): chr22:31,621,827, T>C on the plus strand (A>G on the coding strand, the complement: PISD is on the minus strand). VCF-style: chr22-31621827-T-C. GRCh37 (hg19) VCF-style: chr22-32017813-T-C.
Other names: c.317A>G, p.Asn106Ser (NM_001326413.2, NM_001326414.2); c.278A>G, p.Asn93Ser (NM_001326415.2, NM_001326416.2, NM_001326417.2 and 3 more transcripts); c.200A>G, p.Asn67Ser (NM_001326418.2, NM_001326420.2); c.380A>G, p.Asn127Ser (NM_001326421.1); c.322-5A>G (NM_001326412.1); c.278A>G (NM_014338.3); short protein forms N106S, N67S, N93S, N127S.
Identifiers: ClinVar variation 1349952 (VCV001349952.5), dbSNP rs776428951, ClinGen allele CA10194816.

ClinVar aggregate classification (germline): Uncertain significance. Review status: criteria provided, multiple submitters, no conflicts (2 of 4 stars). 2 submissions from 2 submitters: Uncertain significance (2). Last evaluated 2022-07-26.

Conditions:
Inborn genetic diseases. Identifiers: MedGen C0950123, MeSH D030342.

Allele frequency attached by ClinVar (database versions not stated): gnomAD exomes 0.00002 and 0.00006; gnomAD 0.00003; TOPMed 0.00005; ExAC 0.00007.
gnomAD v4.1: 31 of 1,612,952 alleles (0.0019%); highest among the groups gnomAD compares: Admixed American, 0.025%; no homozygotes.

Submissions (2):

Labcorp Genetics (formerly Invitae), Labcorp
Classification: Uncertain significance. Last evaluated: 2022-07-26. Review status: criteria provided, single submitter. Criteria: Invitae Variant Classification Sherloc (09022015). Collection method: clinical testing. Allele origin: germline.
Comment: This sequence change replaces asparagine, which is neutral and polar, with serine, which is neutral and polar, at codon 127 of the PISD protein (p.Asn127Ser). This variant is present in population databases (rs776428951, gnomAD 0.04%). This variant has not been reported in the literature in individuals affected with PISD-related conditions. ClinVar contains an entry for this variant (Variation ID: 1349952). Algorithms developed to predict the effect of missense changes on protein structure and function are either unavailable or do not agree on the potential impact of this missense change (SIFT: "Not Available"; PolyPhen-2: "Benign"; Align-GVGD: "Not Available"). Algorithms developed to predict the effect of sequence changes on RNA splicing suggest that this variant may disrupt the consensus splice site. In summary, the available evidence is currently insufficient to determine the role of this variant in disease. Therefore, it has been classified as a Variant of Uncertain Significance.

Ambry Genetics
Classification: Uncertain significance for Inborn genetic diseases. Last evaluated: 2022-07-04. Review status: criteria provided, single submitter. Criteria: Ambry Variant Classification Scheme 2023. Collection method: clinical testing. Allele origin: germline.